The following is an entry in ClinVar:

ClinVar aggregate classification (germline): Uncertain significance (1 of 4 stars; one submission).

Allele frequency attached by ClinVar (database versions not stated): ExAC 0.00001; gnomAD exomes 0.00001 and 0.00003.
gnomAD v4.1: 38 of 1,612,516 alleles (0.0024%); highest among the groups gnomAD compares: Non-Finnish European, 0.0031%; no homozygotes.

Submission:

Labcorp Genetics (formerly Invitae), Labcorp
Classification: Uncertain significance. Last evaluated: 2023-03-01. Review status: criteria provided, single submitter. Criteria: Invitae Variant Classification Sherloc (09022015). Collection method: clinical testing. Allele origin: germline.
Comment: ClinVar contains an entry for this variant (Variation ID: 1434769). Experimental studies and prediction algorithms are not available or were not evaluated, and the functional significance of this variant is currently unknown. In summary, the available evidence is currently insufficient to determine the role of this variant in disease. Therefore, it has been classified as a Variant of Uncertain Significance. This variant has not been reported in the literature in individuals affected with PCLO-related conditions. This sequence change replaces valine, which is neutral and non-polar, with methionine, which is neutral and non-polar, at codon 4091 of the PCLO protein (p.Val4091Met). This variant is present in population databases (rs766076530, gnomAD 0.002%).

NM_033026.6(PCLO):c.12271G>A (p.Val4091Met)

Gene: PCLO (piccolo presynaptic cytomatrix protein; minus strand). Cytogenetic location: 7q21.11.
Variant type: single nucleotide variant.
Coding change: c.12271G>A on transcript NM_033026.6 (MANE Select); coding-DNA position 12271, G replaced by A.
Protein change: p.Val4091Met; replaces valine 4091 with methionine.
Molecular consequence: missense variant.
Genome position (GRCh38, 1-based): chr7:82,915,715, C>T on the plus strand (G>A on the coding strand, the complement: PCLO is on the minus strand). VCF-style: chr7-82915715-C-T. GRCh37 (hg19) VCF-style: chr7-82545031-C-T.
Other names: c.12271G>A, p.Val4091Met (NM_014510.3); short protein forms V4091M.
Identifiers: ClinVar variation 1434769 (VCV001434769.6), dbSNP rs766076530, ClinGen allele CA4319402.